The following is an entry in ClinVar:

NM_001972.4(ELANE):c.319A>G (p.Asn107Asp)

Gene: ELANE (elastase, neutrophil expressed; plus strand). Cytogenetic location: 19p13.3.
Variant type: single nucleotide variant.
Coding change: c.319A>G on transcript NM_001972.4 (MANE Select); coding-DNA position 319, A replaced by G.
Protein change: p.Asn107Asp; replaces asparagine 107 with aspartic acid.
Molecular consequence: missense variant.
Genome position (GRCh38, 1-based): chr19:853,356, A>G. VCF-style: chr19-853356-A-G. GRCh37 (hg19) VCF-style: chr19-853356-A-G.
Other names: short protein forms N107D.
Identifiers: ClinVar variation 2923148 (VCV002923148.4), dbSNP rs2512165421, ClinGen allele CA402916196.

ClinVar aggregate classification (germline): Uncertain significance. Review status: criteria provided, multiple submitters, no conflicts (2 of 4 stars). 2 submissions from 2 submitters: Uncertain significance (2). Last evaluated 2025-08-08.

Conditions:
Inborn genetic diseases. Identifiers: MedGen C0950123, MeSH D030342.
Neutropenia, severe congenital, 1, autosomal dominant. Identifiers: MedGen C1859966, MONDO:0042490, OMIM 202700.
Cyclical neutropenia. Also called: Cyclic hematopoiesis; Cyclic Neutropenia. Identifiers: Orphanet 2686, MedGen C0221023, MONDO:0008090, OMIM 162800, HP:0040289. Disease mechanism: loss of function.

Submissions (2):

Ambry Genetics
Classification: Uncertain significance for Inborn genetic diseases. Last evaluated: 2025-08-08. Review status: criteria provided, single submitter. Criteria: Ambry Variant Classification Scheme 2023. Collection method: clinical testing. Allele origin: germline.
Comment: The p.N107D variant (also known as c.319A>G), located in coding exon 3 of the ELANE gene, results from an A to G substitution at nucleotide position 319. The asparagine at codon 107 is replaced by aspartic acid, an amino acid with highly similar properties. This amino acid position is conserved. In addition, the in silico prediction for this alteration is inconclusive. Based on the available evidence, the clinical significance of this variant remains unclear.

Labcorp Genetics (formerly Invitae), Labcorp
Classification: Uncertain significance for Neutropenia, severe congenital, 1, autosomal dominant; Cyclical neutropenia. Last evaluated: 2023-10-05. Review status: criteria provided, single submitter. Criteria: Invitae Variant Classification Sherloc (09022015). Collection method: clinical testing. Allele origin: germline.
Comment: This sequence change replaces asparagine, which is neutral and polar, with aspartic acid, which is acidic and polar, at codon 107 of the ELANE protein (p.Asn107Asp). This variant is not present in population databases (gnomAD no frequency). This variant has not been reported in the literature in individuals affected with ELANE-related conditions. Advanced modeling of protein sequence and biophysical properties (such as structural, functional, and spatial information, amino acid conservation, physicochemical variation, residue mobility, and thermodynamic stability) has been performed at Invitae for this missense variant, however the output from this modeling did not meet the statistical confidence thresholds required to predict the impact of this variant on ELANE protein function. In summary, the available evidence is currently insufficient to determine the role of this variant in disease. Therefore, it has been classified as a Variant of Uncertain Significance.